The following is an entry in ClinVar:

NM_033028.5(BBS4):c.1409A>T (p.Gln470Leu)

Gene: BBS4 (Bardet-Biedl syndrome 4; plus strand). Cytogenetic location: 15q24.1.
Variant type: single nucleotide variant.
Coding change: c.1409A>T on transcript NM_033028.5 (MANE Select); coding-DNA position 1409, A replaced by T.
Protein change: p.Gln470Leu; replaces glutamine 470 with leucine.
Molecular consequence: missense variant. On other transcripts: non-coding transcript variant (2).
Genome position (GRCh38, 1-based): chr15:72,736,922, A>T. VCF-style: chr15-72736922-A-T. GRCh37 (hg19) VCF-style: chr15-73029263-A-T.
Other names: c.893A>T, p.Gln298Leu (NM_001252678.2); c.1340A>T, p.Gln447Leu (NM_001320665.2); short protein forms Q447L, Q298L, Q470L.
Identifiers: ClinVar variation 1046818 (VCV001046818.8), dbSNP rs2065937102, ClinGen allele CA393081035.

ClinVar aggregate classification (germline): Uncertain significance (1 of 4 stars; one submission).

Conditions:
Bardet-Biedl syndrome (BBS). Identifiers: Orphanet 110, MedGen C0752166, MONDO:0015229.

Submission:

Labcorp Genetics (formerly Invitae), Labcorp
Classification: Uncertain significance for Bardet-Biedl syndrome. Last evaluated: 2020-07-10. Review status: criteria provided, single submitter. Criteria: Invitae Variant Classification Sherloc (09022015). Collection method: clinical testing. Allele origin: germline.
Comment: This sequence change replaces glutamine with leucine at codon 470 of the BBS4 protein (p.Gln470Leu). The glutamine residue is moderately conserved and there is a moderate physicochemical difference between glutamine and leucine. This variant is not present in population databases (ExAC no frequency). In summary, the available evidence is currently insufficient to determine the role of this variant in disease. Therefore, it has been classified as a Variant of Uncertain Significance. Algorithms developed to predict the effect of missense changes on protein structure and function are either unavailable or do not agree on the potential impact of this missense change (SIFT: "Deleterious"; PolyPhen-2: "Possibly Damaging"; Align-GVGD: "Class C0"). This variant has not been reported in the literature in individuals with BBS4-related conditions.